The following is an entry in ClinVar:

ClinVar aggregate classification (germline): Likely benign (0 of 4 stars; one submission).

Conditions:
NOVA2-related disorder. Also called: NOVA2-related condition.

Submission:

PreventionGenetics, part of Exact Sciences
Classification: Likely benign for NOVA2-related condition. Last evaluated: 2022-12-01. Review status: no assertion criteria provided. Collection method: clinical testing. Allele origin: germline.
Comment: This variant is classified as likely benign based on ACMG/AMP sequence variant interpretation guidelines (Richards et al. 2015 PMID: 25741868, with internal and published modifications).

NM_002516.4(NOVA2):c.1131G>C (p.Gly377=)

Gene: NOVA2 (NOVA alternative splicing regulator 2; minus strand). Cytogenetic location: 19q13.32.
Variant type: single nucleotide variant.
Coding change: c.1131G>C on transcript NM_002516.4 (MANE Select); coding-DNA position 1131, G replaced by C.
Protein change: p.Gly377=; no amino-acid change (glycine 377 retained).
Molecular consequence: synonymous variant.
Genome position (GRCh38, 1-based): chr19:45,940,211, C>G on the plus strand (G>C on the coding strand, the complement: NOVA2 is on the minus strand). VCF-style: chr19-45940211-C-G. GRCh37 (hg19) VCF-style: chr19-46443469-C-G.
Identifiers: ClinVar variation 3037121 (VCV003037121.2), dbSNP rs1254095415, ClinGen allele CA507969422.